The following is an entry in ClinVar:

NM_198271.5(LMOD3):c.810G>A (p.Met270Ile)

Gene: LMOD3 (leiomodin 3; minus strand). Cytogenetic location: 3p14.1.
Variant type: single nucleotide variant.
Coding change: c.810G>A on transcript NM_198271.5 (MANE Select); coding-DNA position 810, G replaced by A.
Protein change: p.Met270Ile; replaces methionine 270 with isoleucine.
Molecular consequence: missense variant.
Genome position (GRCh38, 1-based): chr3:69,119,545, C>T on the plus strand (G>A on the coding strand, the complement: LMOD3 is on the minus strand). VCF-style: chr3-69119545-C-T. GRCh37 (hg19) VCF-style: chr3-69168696-C-T.
Other names: c.810G>A, p.Met270Ile (NM_001304418.3); short protein forms M270I.
Identifiers: ClinVar variation 4756063 (VCV004756063.1).

ClinVar aggregate classification (germline): Uncertain significance (1 of 4 stars; one submission).

Submission:

GeneDx
Classification: Uncertain significance. Last evaluated: 2025-08-09. Review status: criteria provided, single submitter. Criteria: GeneDx Variant Classification Process June 2021. Collection method: clinical testing. Allele origin: germline. Affected: yes.
Comment: Not observed at significant frequency in large population cohorts (gnomAD); In silico analysis suggests that this missense variant does not alter protein structure/function; Has not been previously published as pathogenic or benign to our knowledge